The following is an entry in ClinVar:

ClinVar aggregate classification (germline): Likely benign. Review status: criteria provided, multiple submitters, no conflicts (2 of 4 stars). 2 submissions from 2 submitters: Likely benign (2). Last evaluated 2025-11-09.

Allele frequency attached by ClinVar (database versions not stated): gnomAD 0.00001; gnomAD exomes 0.00001; TOPMed 0.00002.
gnomAD v4.1: 11 of 1,358,202 alleles (0.00081%); highest among the groups gnomAD compares: Non-Finnish European, 0.001%; no homozygotes.

Submissions (2):

Labcorp Genetics (formerly Invitae), Labcorp
Classification: Likely benign. Last evaluated: 2025-11-09. Review status: criteria provided, single submitter. Criteria: Invitae Variant Classification Sherloc (09022015). Collection method: clinical testing. Allele origin: germline.

CeGaT Center for Human Genetics Tuebingen
Classification: Likely benign. Last evaluated: 2025-10-01. Review status: criteria provided, single submitter. Criteria: CeGaT Center For Human Genetics Tuebingen Variant Classification Criteria Version 2. Collection method: clinical testing. Allele origin: germline. Affected: yes. Observed: 2 variant alleles.
Comment: GATA5: BP4, BP7

NM_080473.5(GATA5):c.117C>A (p.Val39=)

Gene: GATA5 (GATA binding protein 5; minus strand). Cytogenetic location: 20q13.33.
Variant type: single nucleotide variant.
Coding change: c.117C>A on transcript NM_080473.5 (MANE Select); coding-DNA position 117, C replaced by A.
Protein change: p.Val39=; no amino-acid change (valine 39 retained).
Molecular consequence: synonymous variant.
Genome position (GRCh38, 1-based): chr20:62,475,405, G>T on the plus strand (C>A on the coding strand, the complement: GATA5 is on the minus strand). VCF-style: chr20-62475405-G-T. GRCh37 (hg19) VCF-style: chr20-61050461-G-T.
Identifiers: ClinVar variation 1982469 (VCV001982469.28), dbSNP rs782504520, ClinGen allele CA9946331.
Genomic context (GRCh38, chr20:62,475,405, plus strand): 5'-AGCGAGCTCGGGGGGCTGCGGGCTCGGCTCACACCCGGACAGGTAGGACAGCATCGAGGG[G>T]ACGCGCGCCGGCGGCACAAACATCGGAGAGCCGGCGCCCGGAGCGTGCAGGAAGGAGCCC-3'
Protein context (NP_536721.1, residues 29-49): GSPMFVPPAR[Val39=]PSMLSYLSGC